The following is an entry in ClinVar:

ClinVar aggregate classification (germline): Uncertain significance (1 of 4 stars; one submission).

Allele frequency attached by ClinVar (database versions not stated): ExAC 0.00001; gnomAD 0.00001; TOPMed 0.00001.
gnomAD v4.1: 8 of 1,612,164 alleles (0.0005%); highest among the groups gnomAD compares: Non-Finnish European, 0.00068%; no homozygotes.

Submission:

Labcorp Genetics (formerly Invitae), Labcorp
Classification: Uncertain significance. Last evaluated: 2025-02-24. Review status: criteria provided, single submitter. Criteria: Invitae Variant Classification Sherloc (09022015). Collection method: clinical testing. Allele origin: germline.
Comment: This sequence change replaces methionine, which is neutral and non-polar, with valine, which is neutral and non-polar, at codon 372 of the ANGPT1 protein (p.Met372Val). This variant is present in population databases (rs774576736, gnomAD 0.0009%). This variant has not been reported in the literature in individuals affected with ANGPT1-related conditions. ClinVar contains an entry for this variant (Variation ID: 1383665). An algorithm developed to predict the effect of missense changes on protein structure and function (PolyPhen-2) suggests that this variant is likely to be tolerated. In summary, the available evidence is currently insufficient to determine the role of this variant in disease. Therefore, it has been classified as a Variant of Uncertain Significance.

NM_001146.5(ANGPT1):c.1114A>G (p.Met372Val)

Gene: ANGPT1 (angiopoietin 1; minus strand). Cytogenetic location: 8q23.1.
Variant type: single nucleotide variant.
Coding change: c.1114A>G on transcript NM_001146.5 (MANE Select); coding-DNA position 1114, A replaced by G.
Protein change: p.Met372Val; replaces methionine 372 with valine.
Molecular consequence: missense variant.
Genome position (GRCh38, 1-based): chr8:107,284,773, T>C on the plus strand (A>G on the coding strand, the complement: ANGPT1 is on the minus strand). VCF-style: chr8-107284773-T-C. GRCh37 (hg19) VCF-style: chr8-108297001-T-C.
Other names: c.1111A>G, p.Met371Val (NM_001199859.3); c.514A>G, p.Met172Val (NM_001314051.2); short protein forms M172V, M371V, M372V.
Identifiers: ClinVar variation 1383665 (VCV001383665.6), dbSNP rs774576736, ClinGen allele CA4841185.